The following is an entry in ClinVar:

ClinVar aggregate classification (germline): Uncertain significance (1 of 4 stars; one submission).

Conditions:
Gaucher disease type I (GD1). Also called: ACID BETA-GLUCOSIDASE DEFICIENCY; GD 1; GAUCHER DISEASE, NONCEREBRAL JUVENILE; GBA DEFICIENCY; GD I; GLUCOCEREBROSIDASE DEFICIENCY. Identifiers: Orphanet 355, Orphanet 77259, MedGen C1961835, MONDO:0009265, OMIM 230800.

gnomAD v4.1: 1 of 1,614,198 alleles (0.000062%); highest among the groups gnomAD compares: South Asian, 0.0011%; no homozygotes.

Submission:

3billion
Classification: Uncertain significance for Gaucher disease type I. Last evaluated: 2024-01-10. Review status: criteria provided, single submitter. Criteria: ACMG Guidelines, 2015. Collection method: clinical testing. Allele origin: germline. Affected: yes.
Comment: The variant is not observed in the gnomAD v2.1.1 dataset. Predicted Consequence/Location: Missense variant In silico tool predictions suggest damaging effect of the variant on gene or gene product [REVEL: 0.94 (>=0.6, sensitivity 0.68 and specificity 0.92); 3Cnet: 0.96 (>=0.6, sensitivity 0.72 and precision 0.9)]. A different missense changes at the same codon (p.Trp432Arg, p.Trp432Cys, and pTrp432Leu) have been reported to be associated with GBA1 related disorder (ClinVar ID: VCV000599275, PMID: 27872820, PMID: 18338393). Therefore, this variant is classified as VUS according to the recommendation of ACMG/AMP guideline.

NM_000157.4(GBA1):c.1295G>C (p.Trp432Ser)

Genes: GBA1 (glucosylceramidase beta 1; minus strand), LOC106627981 (GBA recombination region; plus strand). Cytogenetic location: 1q22.
Variant type: single nucleotide variant.
Coding change: c.1295G>C on transcript NM_000157.4 (MANE Select); coding-DNA position 1295, G replaced by C.
Protein change: p.Trp432Ser; replaces tryptophan 432 with serine.
Molecular consequence: missense variant.
Genome position (GRCh38, 1-based): chr1:155,235,774, C>G on the plus strand (G>C on the coding strand, the complement: GBA1 is on the minus strand). VCF-style: chr1-155235774-C-G. GRCh37 (hg19) VCF-style: chr1-155205565-C-G.
Other names: c.1295G>C, p.Trp432Ser (NM_001005741.3, NM_001005742.3); c.1034G>C, p.Trp345Ser (NM_001171811.2); c.1148G>C, p.Trp383Ser (NM_001171812.2); short protein forms W345S, W383S, W432S.
Identifiers: ClinVar variation 3776124 (VCV003776124.1).